The following is an entry in ClinVar:

ClinVar aggregate classification (germline): Benign/Likely benign. Review status: criteria provided, multiple submitters, no conflicts (2 of 4 stars). 2 submissions from 2 submitters: Benign (1); Likely benign (1). Last evaluated 2025-10-17.

Allele frequency attached by ClinVar (database versions not stated): gnomAD exomes 0.00018; gnomAD 0.00023; TOPMed 0.00026; ExAC 0.00033; 1000 Genomes Project 0.00120; 1000 Genomes Project 30x 0.00125.
gnomAD v4.1: 318 of 1,614,176 alleles (0.02%); highest among the groups gnomAD compares: Middle Eastern, 0.41%; no homozygotes.

Submissions (2):

Labcorp Genetics (formerly Invitae), Labcorp
Classification: Benign. Last evaluated: 2025-10-17. Review status: criteria provided, single submitter. Criteria: Invitae Variant Classification Sherloc (09022015). Collection method: clinical testing. Allele origin: germline.

CeGaT Center for Human Genetics Tuebingen
Classification: Likely benign. Last evaluated: 2023-03-01. Review status: criteria provided, single submitter. Criteria: CeGaT Center For Human Genetics Tuebingen Variant Classification Criteria Version 2. Collection method: clinical testing. Allele origin: germline. Affected: yes. Observed: 1 variant allele.
Comment: SLC41A1: BP4, BP7

NM_173854.6(SLC41A1):c.954G>A (p.Ser318=)

Gene: SLC41A1 (solute carrier family 41 member 1; minus strand). Cytogenetic location: 1q32.1.
Variant type: single nucleotide variant.
Coding change: c.954G>A on transcript NM_173854.6 (MANE Select); coding-DNA position 954, G replaced by A.
Protein change: p.Ser318=; no amino-acid change (serine 318 retained).
Molecular consequence: synonymous variant.
Genome position (GRCh38, 1-based): chr1:205,797,942, C>T on the plus strand (G>A on the coding strand, the complement: SLC41A1 is on the minus strand). VCF-style: chr1-205797942-C-T. GRCh37 (hg19) VCF-style: chr1-205767070-C-T.
Identifiers: ClinVar variation 2079296 (VCV002079296.28), dbSNP rs200146515, ClinGen allele CA1357259.
Genomic context (GRCh38, chr1:205,797,942, plus strand): 5'-GATACTCAGGGCCCCAGCCTACCTGCTGATGGCCATGGCAATGATAACAGGCTCCCAGCC[C>T]GAGTACAACACCTCCCTTGTGGCTGGACTTCGTCGGGCCAGCACCACCCAGACAGGCAGC-3'
Protein context (NP_776253.3, residues 308-328): RSPATREVLY[Ser318=]GWEPVIIAMA